The following is an entry in ClinVar:

ClinVar aggregate classification (germline): Likely pathogenic. Review status: criteria provided, multiple submitters, no conflicts (2 of 4 stars). 3 submissions from 3 submitters: Likely pathogenic (3). Last evaluated 2026-02-01.

Conditions:
Pheochromocytoma/paraganglioma syndrome 4. Also called: PARAGANGLIOMA, FAMILIAL MALIGNANT; PARAGANGLIOMAS, HEREDITARY EXTRAADRENAL; PHEOCHROMOCYTOMA, FAMILIAL EXTRAADRENAL; Paragangliomas 4; CAROTID BODY TUMORS AND MULTIPLE EXTRAADRENAL PHEOCHROMOCYTOMAS; SDHB-Related Hereditary Paraganglioma-Pheochromocytoma Syndrome (Paragangliomas 4). Identifiers: Orphanet 29072, MedGen C1861848, MONDO:0007273, OMIM 115310.
Gastrointestinal stromal tumor. Also called: Gastrointestinal stroma tumor; Gastrointestinal stromal tumor, somatic. Identifiers: Orphanet 44890, MedGen C0238198, MeSH D046152, MONDO:0011719, OMIM 606764, HP:0100723.
Pheochromocytoma. Also called: MAX-Related Hereditary Paraganglioma-Pheochromocytoma Syndrome. Identifiers: Orphanet 29072, MedGen C0031511, MONDO:0008233, OMIM 171300, HP:0002666.
Hereditary cancer-predisposing syndrome. Also called: Neoplastic Syndromes, Hereditary; Hereditary Cancer Syndrome; Hereditary neoplastic syndrome; Tumor predisposition. Identifiers: Orphanet 140162, MedGen C0027672, MeSH D009386, MONDO:0015356.

Submissions (3):

Labcorp Genetics (formerly Invitae), Labcorp
Classification: Likely pathogenic for Gastrointestinal stromal tumor; Pheochromocytoma/paraganglioma syndrome 4; Pheochromocytoma. Last evaluated: 2026-02-01. Review status: criteria provided, single submitter. Criteria: Invitae Variant Classification Sherloc (09022015). Collection method: clinical testing. Allele origin: germline.
Comment: This sequence change creates a premature translational stop signal (p.Ile263Serfs*13) in the SDHB gene. While this is not anticipated to result in nonsense mediated decay, it is expected to disrupt the last 18 amino acid(s) of the SDHB protein. This variant is not present in population databases (gnomAD no frequency). This premature translational stop signal has been observed in individuals with paraganglioma or pheochromocytoma (internal data). ClinVar contains an entry for this variant (Variation ID: 421424). Experimental studies and prediction algorithms are not available or were not evaluated, and the functional significance of this variant is currently unknown. Algorithms developed to predict the effect of sequence changes on RNA splicing suggest that this variant may disrupt the consensus splice site. In summary, the currently available evidence indicates that the variant is pathogenic, but additional data are needed to prove that conclusively. Therefore, this variant has been classified as Likely Pathogenic.

Ambry Genetics
Classification: Likely pathogenic for Hereditary cancer-predisposing syndrome. Last evaluated: 2025-01-08. Review status: criteria provided, single submitter. Criteria: Ambry Variant Classification Scheme 2023. Collection method: clinical testing. Allele origin: germline.
Comment: The c.784_787dupGCTA variant, located in coding exon 8 of the SDHB gene, results from a duplication of GCTA at nucleotide position 784, causing a translational frameshift with a predicted alternate stop codon (p.I263Sfs*13). This variant was reported in individual(s) with features consistent with SDHB-related paraganglioma-pheochromocytoma syndrome (Ambry internal data). This variant is considered to be rare based on population cohorts in the Genome Aggregation Database (gnomAD). This alteration is expected to result in loss of function by premature protein truncation or nonsense-mediated mRNA decay. Based on the majority of available evidence to date, this variant is likely to be pathogenic.

GeneDx
Classification: Likely pathogenic. Last evaluated: 2017-03-27. Review status: criteria provided, single submitter. Criteria: GeneDx Variant Classification (06012015). Collection method: clinical testing. Allele origin: germline. Affected: yes.
Comment: This duplication of four nucleotides in SDHB is denoted c.784_787dupGCTA at the cDNA level and p.Ile263SerfsX13 (I263SfsX13) at the protein level. The normal sequence, with the bases that are duplicated in brackets, is GAAA[dupGCTA]TTGC. The duplication causes a frameshift which changes an Isoleucine to a Serine at codon 263, and creates a premature stop codon at position 13 of the new reading frame. Even though nonsense-mediated decay is not expected to occur due to the position of the variant, it is significant since the last 18 amino acids are no longer translated correctly and is predicted to cause loss of normal protein function through protein truncation. Although this variant has not, to our knowledge, been reported in the literature, the disrupted region includes several residues that are conserved across species, and other nonsense or frameshift variants causing a similar impact have been reported in individuals with paraganglioma or pheochromocytoma (Neumann 2009, Rattenberry 2013, Pai 2015). Based on currently available information, we consider SDHB c.784_787dupGCTA to be a likely pathogenic variant.

NM_003000.3(SDHB):c.784_787dup (p.Ile263fs)

Gene: SDHB (succinate dehydrogenase complex iron sulfur subunit B; minus strand). Cytogenetic location: 1p36.13.
Variant type: Duplication.
Coding change: c.784_787dup on transcript NM_003000.3 (MANE Select); coding-DNA positions 784 to 787, 4 bases duplicated (GCTA; older notation c.784_787dupGCTA).
Protein change: p.Ile263fs; shifts the reading frame from isoleucine 263.
Molecular consequence: frameshift variant.
Genome position (GRCh38, 1-based): chr1:17,018,937-17,018,940, TAGC duplicated on the plus strand (GCTA on the coding strand, the reverse complement: SDHB is on the minus strand); duplicating any 4 consecutive bases within chr1:17,018,937-17,018,941 gives the same sequence; the c. name uses the placement nearest the transcript's 3' end. VCF-style (leftmost placement, unchanged base first): chr1-17018936-A-ATAGC. GRCh37 (hg19) VCF-style: chr1-17345431-A-ATAGC.
Other names: c.784_787dupGCTA (NM_003000.2); short protein forms I263fs.
Identifiers: ClinVar variation 421424 (VCV000421424.10), dbSNP rs1553176976, ClinGen allele CA16617019.